The following is an entry in ClinVar:

ClinVar aggregate classification (germline): Uncertain significance (1 of 4 stars; one submission).

gnomAD v4.1: 13 of 1,612,742 alleles (0.00081%); highest among the groups gnomAD compares: Non-Finnish European, 0.0011%; no homozygotes.

Submission:

OLLIN Analises Genomicas, OLLIN
Classification: Uncertain significance. Last evaluated: 2026-08-06. Review status: criteria provided, single submitter. Criteria: ACMG Guidelines 2015 PMID 25741868. Collection method: clinical testing. Allele origin: germline.
Comment: This missense variant, located in exon 6 (of 7), has been observed in gnomAD with an allele frequency of 0.000062%, but has not been reported in ClinVar or identified in the literature. In silico analysis predicts that this variant has a deleterious effect. According to the currently available evidence, this variant has been classified as uncertain significance (PM2_P, PP3_M).

NM_006907.4(PYCR1):c.742G>T (p.Gly248Trp)

Gene: PYCR1 (pyrroline-5-carboxylate reductase 1; minus strand). Cytogenetic location: 17q25.3.
Variant type: single nucleotide variant.
Coding change: c.742G>T on transcript NM_006907.4 (MANE Select); coding-DNA position 742, G replaced by T.
Protein change: p.Gly248Trp; replaces glycine 248 with tryptophan.
Molecular consequence: missense variant. On other transcripts: intron variant (1).
Genome position (GRCh38, 1-based): chr17:81,934,381, C>A on the plus strand (G>T on the coding strand, the complement: PYCR1 is on the minus strand). VCF-style: chr17-81934381-C-A. GRCh37 (hg19) VCF-style: chr17-79892257-C-A.
Other names: c.649G>T, p.Gly217Trp (NM_001282279.2); c.742G>T, p.Gly248Trp (NM_001282280.2, NM_153824.3); c.823G>T, p.Gly275Trp (NM_001282281.2); c.633+272G>T (NM_001330523.2); short protein forms G248W, G217W, G275W.
Identifiers: ClinVar variation 5002958 (VCV005002958.1).
Genomic context (GRCh38, chr17:81,934,381, plus strand): 5'-CCCACCGTGTGCGGATGCAGGAGGCCTCCACAGCGTTGATGAGCAGGGAGCGGAAGCCCC[C>A]ACTCTCCAGCACATGCAAGGCATGGATGGTGGCCCCACCAGGAGAGCTGACGTTGTCCTT-3'
Protein context (NP_008838.2, residues 238-258): TIHALHVLES[Gly248Trp]GFRSLLINAV